The following is an entry in ClinVar:

NM_152618.3(BBS12):c.1188G>A (p.Trp396Ter)

Gene: BBS12 (Bardet-Biedl syndrome 12; plus strand). Cytogenetic location: 4q27.
Variant type: single nucleotide variant.
Coding change: c.1188G>A on transcript NM_152618.3 (MANE Select); coding-DNA position 1188, G replaced by A.
Protein change: p.Trp396Ter; replaces tryptophan 396 with a stop codon.
Molecular consequence: nonsense.
Genome position (GRCh38, 1-based): chr4:122,743,080, G>A. VCF-style: chr4-122743080-G-A. GRCh37 (hg19) VCF-style: chr4-123664235-G-A.
Other names: c.1188G>A, p.Trp396Ter (NM_001178007.2); short protein forms W396*.
Identifiers: ClinVar variation 2819218 (VCV002819218.3), dbSNP rs2485075571, ClinGen allele CA358224586.

ClinVar aggregate classification (germline): Pathogenic (1 of 4 stars; one submission).

Conditions:
Bardet-Biedl syndrome (BBS). Identifiers: Orphanet 110, MedGen C0752166, MONDO:0015229.

Submission:

Labcorp Genetics (formerly Invitae), Labcorp
Classification: Pathogenic for Bardet-Biedl syndrome. Last evaluated: 2023-08-11. Review status: criteria provided, single submitter. Criteria: Invitae Variant Classification Sherloc (09022015). Collection method: clinical testing. Allele origin: germline.
Comment: This sequence change creates a premature translational stop signal (p.Trp396*) in the BBS12 gene. While this is not anticipated to result in nonsense mediated decay, it is expected to disrupt the last 315 amino acid(s) of the BBS12 protein. This variant is not present in population databases (gnomAD no frequency). This variant has not been reported in the literature in individuals affected with BBS12-related conditions. This variant disrupts a region of the BBS12 protein in which other variant(s) (p.Ser701*) have been determined to be pathogenic (PMID: 20648243). This suggests that this is a clinically significant region of the protein, and that variants that disrupt it are likely to be disease-causing. For these reasons, this variant has been classified as Pathogenic.

Literature cited by the submitters: PubMed 20648243.